The following is an entry in ClinVar:

ClinVar aggregate classification (germline): Uncertain significance (1 of 4 stars; one submission).

Conditions:
Inborn genetic diseases. Identifiers: MedGen C0950123, MeSH D030342.

gnomAD v4.1: 5 of 1,608,660 alleles (0.00031%); highest among the groups gnomAD compares: Admixed American, 0.0017%; no homozygotes.

Submission:

Ambry Genetics
Classification: Uncertain significance for Inborn genetic diseases. Last evaluated: 2024-12-20. Review status: criteria provided, single submitter. Criteria: Ambry Variant Classification Scheme 2023. Collection method: clinical testing. Allele origin: germline.
Comment: The p.A485P variant (also known as c.1453G>C), located in coding exon 13 of the ANKRD26 gene, results from a G to C substitution at nucleotide position 1453. The alanine at codon 485 is replaced by proline, an amino acid with highly similar properties. This amino acid position is conserved. In addition, this alteration is predicted to be tolerated by in silico analysis. Based on the available evidence, the clinical significance of this variant remains unclear.

NM_014915.3(ANKRD26):c.1453G>C (p.Ala485Pro)

Gene: ANKRD26 (ankyrin repeat domain containing 26; minus strand). Cytogenetic location: 10p12.1.
Variant type: single nucleotide variant.
Coding change: c.1453G>C on transcript NM_014915.3 (MANE Select); coding-DNA position 1453, G replaced by C.
Protein change: p.Ala485Pro; replaces alanine 485 with proline.
Molecular consequence: missense variant.
Genome position (GRCh38, 1-based): chr10:27,061,153, C>G on the plus strand (G>C on the coding strand, the complement: ANKRD26 is on the minus strand). VCF-style: chr10-27061153-C-G. GRCh37 (hg19) VCF-style: chr10-27350082-C-G.
Other names: c.1453G>C, p.Ala485Pro (NM_001256053.2); short protein forms A485P.
Identifiers: ClinVar variation 3869461 (VCV003869461.1).